The following is an entry in ClinVar:

NM_001329943.3(KIAA0586):c.2158C>T (p.His720Tyr)

Gene: KIAA0586 (KIAA0586; plus strand). Cytogenetic location: 14q23.1.
Variant type: single nucleotide variant.
Coding change: c.2158C>T on transcript NM_001329943.3 (MANE Select); coding-DNA position 2158, C replaced by T.
Protein change: p.His720Tyr; replaces histidine 720 with tyrosine.
Molecular consequence: missense variant.
Genome position (GRCh38, 1-based): chr14:58,465,933, C>T. VCF-style: chr14-58465933-C-T. GRCh37 (hg19) VCF-style: chr14-58932651-C-T.
Other names: c.2317C>T, p.His773Tyr (NM_001244189.2); c.2113C>T, p.His705Tyr (NM_001244190.2); c.1903C>T, p.His635Tyr (NM_001244191.2, NM_001329945.2, NM_001364700.1 and 1 more transcripts); c.2026C>T, p.His676Tyr (NM_001244192.2); c.1738C>T, p.His580Tyr (NM_001244193.2); c.2158C>T, p.His720Tyr (NM_001329944.2, NM_001329946.2, NM_001329947.2); c.1930C>T, p.His644Tyr (NM_014749.5); short protein forms H580Y, H635Y, H676Y, H705Y, H720Y, H644Y, H773Y.
Identifiers: ClinVar variation 1466985 (VCV001466985.8), dbSNP rs757373300, ClinGen allele CA389874067.

ClinVar aggregate classification (germline): Uncertain significance (1 of 4 stars; one submission).

Conditions:
Short-rib thoracic dysplasia 14 with polydactyly (SRTD14). Identifiers: Orphanet 397715, MedGen C4225286, MONDO:0014688, OMIM 616546.
Joubert syndrome 23 (JBTS23). Identifiers: Orphanet 475, MedGen C4084822, MONDO:0014664, OMIM 616490.

gnomAD v4.1: 1 of 1,612,744 alleles (0.000062%); highest among the groups gnomAD compares: African/African-American, 0.0013%; no homozygotes.

Submission:

Labcorp Genetics (formerly Invitae), Labcorp
Classification: Uncertain significance for Joubert syndrome 23; Short-rib thoracic dysplasia 14 with polydactyly. Last evaluated: 2021-04-14. Review status: criteria provided, single submitter. Criteria: Invitae Variant Classification Sherloc (09022015). Collection method: clinical testing. Allele origin: germline.
Comment: In summary, the available evidence is currently insufficient to determine the role of this variant in disease. Therefore, it has been classified as a Variant of Uncertain Significance. Algorithms developed to predict the effect of missense changes on protein structure and function (SIFT, PolyPhen-2, Align-GVGD) all suggest that this variant is likely to be tolerated, but these predictions have not been confirmed by published functional studies and their clinical significance is uncertain. This variant has not been reported in the literature in individuals with KIAA0586-related conditions. This variant is not present in population databases (ExAC no frequency). This sequence change replaces histidine with tyrosine at codon 773 of the KIAA0586 protein (p.His773Tyr). The histidine residue is weakly conserved and there is a moderate physicochemical difference between histidine and tyrosine.